The following is an entry in ClinVar:

NM_177550.5(SLC13A5):c.264G>A (p.Met88Ile)

Gene: SLC13A5 (solute carrier family 13 member 5; minus strand). Cytogenetic location: 17p13.1.
Variant type: single nucleotide variant.
Coding change: c.264G>A on transcript NM_177550.5 (MANE Select); coding-DNA position 264, G replaced by A.
Protein change: p.Met88Ile; replaces methionine 88 with isoleucine.
Molecular consequence: missense variant.
Genome position (GRCh38, 1-based): chr17:6,706,746, C>T on the plus strand (G>A on the coding strand, the complement: SLC13A5 is on the minus strand). VCF-style: chr17-6706746-C-T. GRCh37 (hg19) VCF-style: chr17-6610065-C-T.
Other names: c.264G>A, p.Met88Ile (NM_001143838.3, NM_001284509.2); c.135G>A, p.Met45Ile (NM_001284510.2); short protein forms M88I, M45I.
Identifiers: ClinVar variation 1499080 (VCV001499080.5), dbSNP rs1414544534, ClinGen allele CA397751049.

ClinVar aggregate classification (germline): Uncertain significance (1 of 4 stars; one submission).

Conditions:
Developmental and epileptic encephalopathy, 25 (DEE25). Also called: Developmental and epileptic encephalopathy 25, with amelogenesis imperfecta; Epileptic encephalopathy, early infantile, 25, with amelogenesis imperfecta; Epileptic encephalopathy, early infantile, 25. Identifiers: Orphanet 442835, MedGen C4014621, MONDO:0014392, OMIM 615905.

Allele frequency attached by ClinVar (database versions not stated): gnomAD exomes 0.00001.

Submission:

Labcorp Genetics (formerly Invitae), Labcorp
Classification: Uncertain significance for Developmental and epileptic encephalopathy, 25. Last evaluated: 2021-09-17. Review status: criteria provided, single submitter. Criteria: Invitae Variant Classification Sherloc (09022015). Collection method: clinical testing. Allele origin: germline.
Comment: This sequence change replaces methionine with isoleucine at codon 88 of the SLC13A5 protein (p.Met88Ile). The methionine residue is highly conserved and there is a small physicochemical difference between methionine and isoleucine. This variant is not present in population databases (ExAC no frequency). This variant has not been reported in the literature in individuals with SLC13A5-related conditions. Algorithms developed to predict the effect of missense changes on protein structure and function (SIFT, PolyPhen-2, Align-GVGD) all suggest that this variant is likely to be tolerated, but these predictions have not been confirmed by published functional studies and their clinical significance is uncertain. In summary, the available evidence is currently insufficient to determine the role of this variant in disease. Therefore, it has been classified as a Variant of Uncertain Significance.